The following is an entry in ClinVar:

NM_006070.6(TFG):c.986A>C (p.Tyr329Ser)

Gene: TFG (trafficking from ER to golgi regulator; plus strand). Cytogenetic location: 3q12.2.
Variant type: single nucleotide variant.
Coding change: c.986A>C on transcript NM_006070.6 (MANE Select); coding-DNA position 986, A replaced by C.
Protein change: p.Tyr329Ser; replaces tyrosine 329 with serine.
Molecular consequence: missense variant.
Genome position (GRCh38, 1-based): chr3:100,748,314, A>C. VCF-style: chr3-100748314-A-C. GRCh37 (hg19) VCF-style: chr3-100467158-A-C.
Other names: c.986A>C, p.Tyr329Ser (NM_001007565.2, NM_001195478.2); c.974A>C, p.Tyr325Ser (NM_001195479.2); short protein forms Y325S, Y329S.
Identifiers: ClinVar variation 2051094 (VCV002051094.4), dbSNP rs1319196084, ClinGen allele CA353853948.

ClinVar aggregate classification (germline): Uncertain significance (1 of 4 stars; one submission).

Conditions:
Hereditary spastic paraplegia 57. Also called: Spastic paraplegia 57, autosomal recessive. Identifiers: Orphanet 431329, MedGen C3714897, MONDO:0014295, OMIM 615658.
Hereditary motor and sensory neuropathy, Okinawa type (HMSNO). Also called: HEREDITARY MOTOR AND SENSORY NEUROPATHY, PROXIMAL TYPE. Identifiers: Orphanet 90117, MedGen C1858338, MONDO:0011468, OMIM 604484.

Allele frequency attached by ClinVar (database versions not stated): TOPMed 0.00003.
gnomAD v4.1: 6 of 1,613,986 alleles (0.00037%); highest among the groups gnomAD compares: South Asian, 0.0011%; no homozygotes.

Submission:

Labcorp Genetics (formerly Invitae), Labcorp
Classification: Uncertain significance for Hereditary motor and sensory neuropathy, Okinawa type; Hereditary spastic paraplegia 57. Last evaluated: 2022-11-08. Review status: criteria provided, single submitter. Criteria: Invitae Variant Classification Sherloc (09022015). Collection method: clinical testing. Allele origin: germline.
Comment: In summary, the available evidence is currently insufficient to determine the role of this variant in disease. Therefore, it has been classified as a Variant of Uncertain Significance. Advanced modeling of protein sequence and biophysical properties (such as structural, functional, and spatial information, amino acid conservation, physicochemical variation, residue mobility, and thermodynamic stability) performed at Invitae indicates that this missense variant is not expected to disrupt TFG protein function. This variant has not been reported in the literature in individuals affected with TFG-related conditions. This variant is present in population databases (no rsID available, gnomAD 0.003%). This sequence change replaces tyrosine, which is neutral and polar, with serine, which is neutral and polar, at codon 329 of the TFG protein (p.Tyr329Ser).